The following is an entry in ClinVar:

ClinVar aggregate classification (germline): Uncertain significance (1 of 4 stars; one submission).

gnomAD v4.1: 2 of 1,614,146 alleles (0.00012%); highest among the groups gnomAD compares: Admixed American, 0.0017%; no homozygotes.

Submission:

CeGaT Center for Human Genetics Tuebingen
Classification: Uncertain significance. Last evaluated: 2026-09-01. Review status: criteria provided, single submitter. Criteria: CeGaT Center For Human Genetics Tuebingen Variant Classification Criteria Version 2. Collection method: clinical testing. Allele origin: germline. Affected: yes. Observed: 1 variant allele.
Comment: AARS2: PM2

NM_020745.4(AARS2):c.2213C>A (p.Ser738Tyr)

Gene: AARS2 (alanyl-tRNA synthetase 2, mitochondrial; minus strand). Cytogenetic location: 6p21.1.
Variant type: single nucleotide variant.
Coding change: c.2213C>A on transcript NM_020745.4 (MANE Select); coding-DNA position 2213, C replaced by A.
Protein change: p.Ser738Tyr; replaces serine 738 with tyrosine.
Molecular consequence: missense variant.
Genome position (GRCh38, 1-based): chr6:44,303,108, G>T on the plus strand (C>A on the coding strand, the complement: AARS2 is on the minus strand). VCF-style: chr6-44303108-G-T. GRCh37 (hg19) VCF-style: chr6-44270845-G-T.
Other names: short protein forms S738Y.
Identifiers: ClinVar variation 5041714 (VCV005041714.1).